The following is an entry in ClinVar:

ClinVar aggregate classification (germline): Conflicting classifications of pathogenicity. Review status: criteria provided, conflicting classifications (1 of 4 stars). 4 submissions from 4 submitters: Uncertain significance (3); Likely benign (1). Last evaluated 2025-09-10.

Conditions:
Renal cell carcinoma. Identifiers: Orphanet 217071, MedGen C0007134, MeSH D002292, MONDO:0005086, HP:0005584.
Hereditary cancer-predisposing syndrome. Also called: Neoplastic Syndromes, Hereditary; Hereditary Cancer Syndrome; Hereditary neoplastic syndrome; Tumor predisposition. Identifiers: Orphanet 140162, MedGen C0027672, MeSH D009386, MONDO:0015356.

Allele frequency attached by ClinVar (database versions not stated): TOPMed below 0.00001; gnomAD 0.00001; gnomAD exomes 0.00001 and 0.00002; ExAC 0.00002.
gnomAD v4.1: 25 of 1,614,032 alleles (0.0015%); highest among the groups gnomAD compares: Non-Finnish European, 0.002%; no homozygotes.

Submissions (4):

Labcorp Genetics (formerly Invitae), Labcorp
Classification: Uncertain significance for Renal cell carcinoma. Last evaluated: 2025-09-10. Review status: criteria provided, single submitter. Criteria: Invitae Variant Classification Sherloc (09022015). Collection method: clinical testing. Allele origin: germline.
Comment: This sequence change replaces histidine, which is basic and polar, with glutamine, which is neutral and polar, at codon 60 of the MET protein (p.His60Gln). This variant is present in population databases (rs745740862, gnomAD 0.003%). This variant has not been reported in the literature in individuals affected with MET-related conditions. ClinVar contains an entry for this variant (Variation ID: 454198). Invitae Evidence Modeling of protein sequence and biophysical properties (such as structural, functional, and spatial information, amino acid conservation, physicochemical variation, residue mobility, and thermodynamic stability) indicates that this missense variant is not expected to disrupt MET protein function with a negative predictive value of 80%. In summary, the available evidence is currently insufficient to determine the role of this variant in disease. Therefore, it has been classified as a Variant of Uncertain Significance.

Ambry Genetics
Classification: Likely benign for Hereditary cancer-predisposing syndrome. Last evaluated: 2024-03-08. Review status: criteria provided, single submitter. Criteria: Ambry Variant Classification Scheme 2023. Collection method: clinical testing. Allele origin: germline.

Blueprint Genetics
Classification: Uncertain significance. Last evaluated: 2023-12-15. Review status: criteria provided, single submitter. Criteria: ACMG Guidelines, 2015. Collection method: clinical testing. Allele origin: germline.

GeneDx
Classification: Uncertain significance. Last evaluated: 2023-10-03. Review status: criteria provided, single submitter. Criteria: GeneDx Variant Classification Process June 2021. Collection method: clinical testing. Allele origin: germline. Affected: yes.
Comment: Not observed at significant frequency in large population cohorts (gnomAD); In silico analysis supports that this missense variant does not alter protein structure/function; This variant is associated with the following publications: (PMID: 29684080)

Literature cited by the submitters: PubMed 29684080 (cited by Ambry Genetics).

NM_000245.4(MET):c.180T>A (p.His60Gln)

Gene: MET (MET proto-oncogene, receptor tyrosine kinase; plus strand). Cytogenetic location: 7q31.2.
Variant type: single nucleotide variant.
Coding change: c.180T>A on transcript NM_000245.4 (MANE Select); coding-DNA position 180, T replaced by A.
Protein change: p.His60Gln; replaces histidine 60 with glutamine.
Molecular consequence: missense variant. On other transcripts: intron variant (1).
Genome position (GRCh38, 1-based): chr7:116,699,264, T>A. VCF-style: chr7-116699264-T-A. GRCh37 (hg19) VCF-style: chr7-116339318-T-A.
Other names: c.180T>A, p.His60Gln (NM_001127500.3, NM_001324401.3); c.-91+26687T>A (NM_001324402.2); short protein forms H60Q.
Identifiers: ClinVar variation 454198 (VCV000454198.20), dbSNP rs745740862, ClinGen allele CA4447954.